The following is an entry in ClinVar:

ClinVar aggregate classification (germline): Likely benign (0 of 4 stars; one submission).

Conditions:
CRYBB1-related disorder. Also called: CRYBB1-related condition.

gnomAD v4.1: 27 of 1,613,724 alleles (0.0017%); highest among the groups gnomAD compares: African/African-American, 0.02%; no homozygotes.

Submission:

PreventionGenetics, part of Exact Sciences
Classification: Likely benign for CRYBB1-related condition. Last evaluated: 2024-08-03. Review status: no assertion criteria provided. Collection method: clinical testing. Allele origin: germline.
Comment: This variant is classified as likely benign based on ACMG/AMP sequence variant interpretation guidelines (Richards et al. 2015 PMID: 25741868, with internal and published modifications).

NM_001887.4(CRYBB1):c.30G>A (p.Ser10=)

Genes: CRYBA4 (crystallin beta A4; plus strand), CRYBB1 (crystallin beta B1; minus strand). Cytogenetic location: 22q12.1.
Variant type: single nucleotide variant.
Coding change: c.30G>A on transcript NM_001887.4 (MANE Select); coding-DNA position 30, G replaced by A.
Protein change: p.Ser10=; no amino-acid change (serine 10 retained).
Molecular consequence: synonymous variant.
Genome position (GRCh38, 1-based): chr22:26,616,290, C>T on the plus strand (G>A on the coding strand, the complement: CRYBB1 is on the minus strand). VCF-style: chr22-26616290-C-T. GRCh37 (hg19) VCF-style: chr22-27012254-C-T.
Identifiers: ClinVar variation 3351372 (VCV003351372.1).